The following is an entry in ClinVar:

ClinVar aggregate classification (germline): Likely pathogenic (1 of 4 stars; one submission).

Conditions:
Familial hemophagocytic lymphohistiocytosis 5. Also called: STXBP2-Related Familial Hemophagocytic Lymphohistiocytosis (STXBP2-fHLH). Identifiers: Orphanet 540, MedGen C2751293, MONDO:0013135, OMIM 613101.

Allele frequency attached by ClinVar (database versions not stated): gnomAD exomes below 0.00001.
gnomAD v4.1: 1 of 1,614,184 alleles (0.000062%); highest among the groups gnomAD compares: Non-Finnish European, 0.000085%; no homozygotes.

Submission:

Labcorp Genetics (formerly Invitae), Labcorp
Classification: Likely pathogenic for Familial hemophagocytic lymphohistiocytosis 5. Last evaluated: 2023-11-15. Review status: criteria provided, single submitter. Criteria: Invitae Variant Classification Sherloc (09022015). Collection method: clinical testing. Allele origin: germline.
Comment: This sequence change affects a donor splice site in intron 12 of the STXBP2 gene. It is expected to disrupt RNA splicing. Variants that disrupt the donor or acceptor splice site typically lead to a loss of protein function (PMID: 16199547), and loss-of-function variants in STXBP2 are known to be pathogenic (PMID: 19804848, 22451424). This variant is not present in population databases (gnomAD no frequency). This variant has not been reported in the literature in individuals affected with STXBP2-related conditions. Algorithms developed to predict the effect of sequence changes on RNA splicing suggest that this variant may disrupt the consensus splice site. In summary, the currently available evidence indicates that the variant is pathogenic, but additional data are needed to prove that conclusively. Therefore, this variant has been classified as Likely Pathogenic.

Literature cited by the submitters: PubMed 16199547; PubMed 19804848; PubMed 22451424.

NM_006949.4(STXBP2):c.1026+1G>T

Gene: STXBP2 (syntaxin binding protein 2; plus strand). Cytogenetic location: 19p13.2.
Variant type: single nucleotide variant.
Coding change: c.1026+1G>T on transcript NM_006949.4 (MANE Select); the canonical splice donor site of the intron after coding-DNA position 1026, G replaced by T.
Molecular consequence: splice donor variant.
Genome position (GRCh38, 1-based): chr19:7,643,049, G>T. VCF-style: chr19-7643049-G-T. GRCh37 (hg19) VCF-style: chr19-7707935-G-T.
Other names: c.930+1G>T (NM_001414484.1); c.1059+1G>T (NM_001272034.2); c.1017+1G>T (NM_001127396.3).
Identifiers: ClinVar variation 2783161 (VCV002783161.3), dbSNP rs2512700352, ClinGen allele CA403160742.